The following is an entry in ClinVar:

NM_001854.4(COL11A1):c.3679A>G (p.Arg1227Gly)

Gene: COL11A1 (collagen type XI alpha 1 chain; minus strand). Cytogenetic location: 1p21.1.
Variant type: single nucleotide variant.
Coding change: c.3679A>G on transcript NM_001854.4 (MANE Select); coding-DNA position 3679, A replaced by G.
Protein change: p.Arg1227Gly; replaces arginine 1227 with glycine.
Molecular consequence: missense variant. On other transcripts: non-coding transcript variant (1).
Genome position (GRCh38, 1-based): chr1:102,921,547, T>C on the plus strand (A>G on the coding strand, the complement: COL11A1 is on the minus strand). VCF-style: chr1-102921547-T-C. GRCh37 (hg19) VCF-style: chr1-103387103-T-C.
Other names: c.3331A>G, p.Arg1111Gly (NM_001168249.1, NM_080630.4); c.3562A>G, p.Arg1188Gly (NM_001190709.2); c.3715A>G, p.Arg1239Gly (NM_080629.3); short protein forms R1111G, R1239G, R1188G, R1227G.
Identifiers: ClinVar variation 2101523 (VCV002101523.4), dbSNP rs868033385, ClinGen allele CA27682419.

ClinVar aggregate classification (germline): Uncertain significance (1 of 4 stars; one submission).

Allele frequency attached by ClinVar (database versions not stated): TOPMed below 0.00001.

Submission:

Labcorp Genetics (formerly Invitae), Labcorp
Classification: Uncertain significance. Last evaluated: 2024-11-05. Review status: criteria provided, single submitter. Criteria: Invitae Variant Classification Sherloc (09022015). Collection method: clinical testing. Allele origin: germline.
Comment: This sequence change replaces arginine, which is basic and polar, with glycine, which is neutral and non-polar, at codon 1227 of the COL11A1 protein (p.Arg1227Gly). This variant is not present in population databases (gnomAD no frequency). This variant has not been reported in the literature in individuals affected with COL11A1-related conditions. ClinVar contains an entry for this variant (Variation ID: 2101523). Invitae Evidence Modeling of protein sequence and biophysical properties (such as structural, functional, and spatial information, amino acid conservation, physicochemical variation, residue mobility, and thermodynamic stability) indicates that this missense variant is expected to disrupt COL11A1 protein function with a positive predictive value of 80%. In summary, the available evidence is currently insufficient to determine the role of this variant in disease. Therefore, it has been classified as a Variant of Uncertain Significance.